The following is an entry in ClinVar:

ClinVar aggregate classification (germline): Pathogenic (1 of 4 stars; one submission).

Conditions:
Mitochondrial complex II deficiency, nuclear type 1. Also called: SUCCINATE CoQ REDUCTASE DEFICIENCY. Identifiers: Orphanet 3208, MedGen C5700310, MONDO:0100294, OMIM 252011.
Pheochromocytoma/paraganglioma syndrome 5. Also called: Paragangliomas 5; SDHA-Related Hereditary Paraganglioma-Pheochromocytoma Syndrome. Identifiers: Orphanet 29072, MedGen C3279992, MONDO:0013602, OMIM 614165.

Submission:

Labcorp Genetics (formerly Invitae), Labcorp
Classification: Pathogenic for Pheochromocytoma/paraganglioma syndrome 5; Mitochondrial complex II deficiency, nuclear type 1. Last evaluated: 2023-09-10. Review status: criteria provided, single submitter. Criteria: Invitae Variant Classification Sherloc (09022015). Collection method: clinical testing. Allele origin: germline.
Comment: For these reasons, this variant has been classified as Pathogenic. This variant has not been reported in the literature in individuals affected with SDHA-related conditions. This variant is not present in population databases (gnomAD no frequency). This sequence change creates a premature translational stop signal (p.Phe173Cysfs*23) in the SDHA gene. It is expected to result in an absent or disrupted protein product. Loss-of-function variants in SDHA are known to be pathogenic (PMID: 22974104, 24781757).

Literature cited by the submitters: PubMed 22974104; PubMed 24781757.

NM_004168.4(SDHA):c.514_517dup (p.Phe173fs)

Gene: SDHA (succinate dehydrogenase complex flavoprotein subunit A; plus strand). Cytogenetic location: 5p15.33.
Variant type: Duplication.
Coding change: c.514_517dup on transcript NM_004168.4 (MANE Select); coding-DNA positions 514 to 517, 4 bases duplicated (GCAT; older notation c.514_517dupGCAT).
Protein change: p.Phe173fs; shifts the reading frame from phenylalanine 173.
Molecular consequence: frameshift variant.
Genome position (GRCh38, 1-based): chr5:225,940-225,943, GCAT duplicated; duplicating any 4 consecutive bases within chr5:225,939-225,943 gives the same sequence; the c. name uses the placement nearest the transcript's 3' end. VCF-style (leftmost placement, unchanged base first): chr5-225938-G-GTGCA. GRCh37 (hg19) VCF-style: chr5-226053-G-GTGCA.
Other names: c.370_373dup, p.Phe125fs (NM_001294332.2); c.514_517dup, p.Phe173fs (NM_001330758.2); short protein forms F173fs, F125fs.
Identifiers: ClinVar variation 2951830 (VCV002951830.3), dbSNP rs2477299633, ClinGen allele CA2740091603.